The following is an entry in ClinVar:

NM_000018.4(ACADVL):c.267del (p.Tyr90fs)

Gene: ACADVL (acyl-CoA dehydrogenase very long chain; plus strand). Cytogenetic location: 17p13.1.
Variant type: Deletion.
Coding change: c.267del on transcript NM_000018.4 (MANE Select); coding-DNA position 267, one base deleted (A; older notation c.267delA).
Protein change: p.Tyr90fs; shifts the reading frame from tyrosine 90.
Molecular consequence: frameshift variant.
Genome position (GRCh38, 1-based): chr17:7,220,666, A deleted. VCF-style (leftmost placement, unchanged base first): chr17-7220665-CA-C. GRCh37 (hg19) VCF-style: chr17-7123984-CA-C.
Other names: c.201del, p.Tyr68fs (NM_001033859.3); c.336del, p.Tyr113fs (NM_001270447.2); c.39del, p.Tyr14fs (NM_001270448.2); short protein forms Y113fs, Y14fs, Y68fs, Y90fs.
Identifiers: ClinVar variation 1726263 (VCV001726263.2), dbSNP rs2476334676, ClinGen allele CA2580094771.

ClinVar aggregate classification (germline): Likely pathogenic (1 of 4 stars; one submission).

Conditions:
Very long chain acyl-CoA dehydrogenase deficiency (ACADVLD). Also called: Very Long-Chain Acyl-Coenzyme A Dehydrogenase Deficiency; VLCAD Deficiency. Identifiers: Orphanet 26793, MedGen C3887523, MONDO:0008723, OMIM 201475.

Allele frequency attached by ClinVar (database versions not stated): gnomAD exomes below 0.00001.

Submission:

Myriad Genetics, Inc.
Classification: Likely pathogenic for Very long chain acyl-CoA dehydrogenase deficiency. Last evaluated: 2021-12-10. Review status: criteria provided, single submitter. Criteria: Myriad Women's Health Autosomal Recessive and X-Linked Classification Criteria (2021). Collection method: clinical testing. Allele origin: unknown.
Comment: NM_000018.3(ACADVL):c.267delA(Y90Tfs*27) is expected to be pathogenic in the context of very-long-chain acyl-CoA dehydrogenase deficiency. This variant is predicted to lead to an abnormal or absent protein product due to the creation of a premature termination codon in ACADVL, a gene where loss-of-function variants are known to be pathogenic. Please note: this variant was assessed in the context of healthy population screening.